The following continues an entry in ClinVar:

NM_002693.3(POLG):c.2542G>A (p.Gly848Ser)

Gene: POLG. ClinVar aggregate classification (germline): Pathogenic. Pathogenic (35).

Submissions 32 to 44 of 44:

Eurofins Ntd Llc (ga)
Classification: Pathogenic. Last evaluated: 2016-08-02. Review status: criteria provided, single submitter. Criteria: EGL Classification Definitions 2015. Collection method: clinical testing. Allele origin: germline. Observed: 3 variant alleles, 3 heterozygotes.

Courtagen Diagnostics Laboratory, Courtagen Life Sciences
Classification: Pathogenic for Mitochondrial DNA depletion syndrome 4A (Alpers type). Last evaluated: 2014-06-12. Review status: criteria provided, single submitter. Criteria: Courtagen Life Sciences Classifications. Collection method: clinical testing. Allele origin: germline.

Center for Genomics, Ann and Robert H. Lurie Children's Hospital of Chicago
Classification: Pathogenic for Sensory ataxic neuropathy, dysarthria, and ophthalmoparesis; Mitochondrial DNA depletion syndrome 4b; Progressive sclerosing poliodystrophy; Progressive external ophthalmoplegia with mitochondrial DNA deletions, autosomal dominant 1; Progressive external ophthalmoplegia with mitochondrial DNA deletions, autosomal recessive 1. Review status: criteria provided, single submitter. Criteria: ACMG Guidelines, 2015. Collection method: clinical testing. Allele origin: germline.
Comment: POLG NM_002693.2 exon 16 p.Gly848Ser (c.2542G>A): This variant has been reported in the literature in the compound heterozygous or homozygous state in several individuals with autosomal recessive progressive external opthalmoplegia as well as a wide variety of additional POLG-related phenotypes (Lamantea 2002 PMID:12210792, Weiss 2010 PMID:20513108, Milone 2011 PMID:21670405, Tang 2011 PMID:21880868, Scalais 2012 PMID:22342071, Uusimaa 2013 PMID:23448099, Simon 2014 PMID:2014 PMID:24272679). Literature suggests that this variant is one of the most common pathgenic variants in the POLG gene (Hakonen, 2007 PMID:17426723, Tang 2011 PMID:21880868). This variant is present in 0.03% (40/129136) of European alleles in the Genome Aggregation Database. Please note, disease causing variants may be present in control databases at low frequencies, reflective of the general population, carrier status, and/or variable expressivity. This variant is present in ClinVar, with several labs classifying this variant as pathogenic (Variation ID:13502). Evolutionary conservation and computational predictive tools suggest that this variant may impact the protein. In addition, functional studies indicate that this variant leads to decreased enzyme activity and reduced DNA binding affinity (Kasivishwanathan 2009 PMID:19478085). However, these studies may not accurately represent in vivo biological function. In summary, this variant is classified as pathogenic based on the data above

Equipe Genetique des Anomalies du Developpement, Université de Bourgogne
Classification: Pathogenic for Progressive sclerosing poliodystrophy. Review status: criteria provided, single submitter. Criteria: ACMG Guidelines, 2015. Collection method: clinical testing. Allele origin: paternal. Affected: yes.

OMIM
Classification: Pathogenic for PROGRESSIVE EXTERNAL OPHTHALMOPLEGIA WITH MITOCHONDRIAL DNA DELETIONS, AUTOSOMAL RECESSIVE 1. Last evaluated: 2009-03-24. Review status: no assertion criteria provided. Collection method: literature only. Allele origin: germline. Not counted in ClinVar's aggregate classification.

OMIM
Classification: Pathogenic for PROGRESSIVE EXTERNAL OPHTHALMOPLEGIA WITH MITOCHONDRIAL DNA DELETIONS, DIGENIC. Last evaluated: 2009-03-24. Review status: no assertion criteria provided. Collection method: literature only. Allele origin: germline. Not counted in ClinVar's aggregate classification.

OMIM
Classification: Pathogenic for MITOCHONDRIAL DNA DEPLETION SYNDROME 4A (ALPERS TYPE). Last evaluated: 2009-03-24. Review status: no assertion criteria provided. Collection method: literature only. Allele origin: germline. Not counted in ClinVar's aggregate classification.

OMIM
Classification: Pathogenic for MITOCHONDRIAL DNA DEPLETION SYNDROME 4B (MNGIE TYPE). Last evaluated: 2009-03-24. Review status: no assertion criteria provided. Collection method: literature only. Allele origin: germline. Not counted in ClinVar's aggregate classification.

Clinical Genetics DNA and cytogenetics Diagnostics Lab, Erasmus MC, Erasmus Medical Center
Classification: Pathogenic. Review status: no assertion criteria provided. Collection method: clinical testing. Allele origin: germline. Affected: yes. Study: VKGL Data-share Consensus. Not counted in ClinVar's aggregate classification.

Diagnostic Laboratory, Department of Genetics, University Medical Center Groningen
Classification: Pathogenic. Review status: no assertion criteria provided. Collection method: clinical testing. Allele origin: germline. Affected: yes. Study: VKGL Data-share Consensus. Not counted in ClinVar's aggregate classification.

GeneReviews
No classification provided. Condition: Mitochondrial disease. Review status: no classification provided. Collection method: literature only. Allele origin: germline. Not counted in ClinVar's aggregate classification.

Genome Diagnostics Laboratory, Amsterdam University Medical Center
Classification: Pathogenic. Review status: no assertion criteria provided. Collection method: clinical testing. Allele origin: germline. Affected: yes. Study: VKGL Data-share Consensus. Not counted in ClinVar's aggregate classification.

Joint Genome Diagnostic Labs from Nijmegen and Maastricht, Radboudumc and MUMC+
Classification: Pathogenic. Review status: no assertion criteria provided. Collection method: clinical testing. Allele origin: germline. Affected: yes. Study: VKGL Data-share Consensus. Not counted in ClinVar's aggregate classification.

Literature cited by the submitters: PubMed 12872260 (cited by 5 submitters); PubMed 17426723 (cited by 6 submitters); PubMed 18500570 (cited by 3 submitters); PubMed 21670405 (cited by 5 submitters); PubMed 21880868 (cited by 10 submitters); PubMed 22006280 (cited by 3 submitters); PubMed 22189570 (cited by 4 submitters); PubMed 22342071 (cited by 4 submitters); PubMed 22616202 (cited by 4 submitters); PubMed 17980715 (cited by 5 submitters); PubMed 19478085 (cited by 10 submitters); PubMed 12210792 (cited by 8 submitters); PubMed 20301791 (cited by Rady Children's Institute for Genomic Medicine, Rady Children's Hospital San Diego and Illumina Laboratory Services, Illumina); PubMed 23448099 (cited by 5 submitters); PubMed 29655203 (cited by Rady Children's Institute for Genomic Medicine, Rady Children's Hospital San Diego); PubMed 30423451 (cited by Rady Children's Institute for Genomic Medicine, Rady Children's Hospital San Diego); PubMed 30552426 (cited by Rady Children's Institute for Genomic Medicine, Rady Children's Hospital San Diego); PubMed 33791913 (cited by Rady Children's Institute for Genomic Medicine, Rady Children's Hospital San Diego); PubMed 28471437 (cited by Mayo Clinic Laboratories, Mayo Clinic); PubMed 33486010 (cited by Mayo Clinic Laboratories, Mayo Clinic); PubMed 34782754 (cited by Mayo Clinic Laboratories, Mayo Clinic and Equipe Genetique des Anomalies du Developpement, Université de Bourgogne); PubMed 15929042 (cited by 3 submitters); PubMed 28480171 (cited by Victorian Clinical Genetics Services, Murdoch Childrens Research Institute); PubMed 30451971 (cited by Victorian Clinical Genetics Services, Murdoch Childrens Research Institute); PubMed 20818383 (cited by Athena Diagnostics and Eurofins Ntd Llc (ga)); PubMed 25585994 (cited by Athena Diagnostics); PubMed 24272679 (cited by Athena Diagnostics and Illumina Laboratory Services, Illumina); PubMed 20513108 (cited by Athena Diagnostics and Illumina Laboratory Services, Illumina); PubMed 16177225 (cited by 3 submitters); PubMed 15349879 (cited by Athena Diagnostics); PubMed 15689359 (cited by Athena Diagnostics); PubMed 18828154 (cited by Athena Diagnostics); PubMed 19307547 (cited by Athena Diagnostics and OMIM); PubMed 21228000 (cited by Athena Diagnostics); NCBI Bookshelf NBK26471 (cited by GeneReviews).